The following is an entry in ClinVar:

ClinVar aggregate classification (germline): Pathogenic (1 of 4 stars; one submission).

Conditions:
Multiple epiphyseal dysplasia type 4 (EDM4). Also called: Multiple Epiphyseal Dysplasia, Recessive; MULTIPLE EPIPHYSEAL DYSPLASIA WITH BILAYERED PATELLAE; MULTIPLE EPIPHYSEAL DYSPLASIA WITH CLUBFOOT; MULTIPLE EPIPHYSEAL DYSPLASIA, AUTOSOMAL RECESSIVE; SLC26A2-Related Multiple Epiphyseal Dysplasia. Identifiers: Orphanet 93307, MedGen C1847593, MONDO:0009189, OMIM 226900.

Submission:

Laboratory of Functional Genomics, Research Centre for Medical Genetics
Classification: Pathogenic for Multiple epiphyseal dysplasia type 4. Last evaluated: 2025-11-25. Review status: criteria provided, single submitter. Criteria: ACMG Guidelines, 2015. Collection method: clinical testing. Allele origin: germline. Inheritance: Autosomal recessive inheritance. Affected: yes. Observed: 1 variant allele.
Comment: This variant does not present in the gnomAD v4.1.0 database.

NM_000112.4(SLC26A2):c.1149_1152dup (p.Asp385fs)

Gene: SLC26A2 (solute carrier family 26 member 2; plus strand). Cytogenetic location: 5q32.
Variant type: Duplication.
Coding change: c.1149_1152dup on transcript NM_000112.4 (MANE Select); coding-DNA positions 1149 to 1152, 4 bases duplicated (TGTA; older notation c.1149_1152dupTGTA).
Protein change: p.Asp385fs; shifts the reading frame from aspartic acid 385.
Molecular consequence: frameshift variant.
Genome position (GRCh38, 1-based): chr5:149,980,742-149,980,745, TGTA duplicated. VCF-style (leftmost placement, unchanged base first): chr5-149980741-C-CTGTA. GRCh37 (hg19) VCF-style: chr5-149360304-C-CTGTA.
Other names: short protein forms D385fs.
Identifiers: ClinVar variation 4823942 (VCV004823942.1).